The following is an entry in ClinVar:

NM_005236.3(ERCC4):c.2452C>G (p.Gln818Glu)

Gene: ERCC4 (ERCC excision repair 4, endonuclease catalytic subunit; plus strand). Cytogenetic location: 16p13.12.
Variant type: single nucleotide variant.
Coding change: c.2452C>G on transcript NM_005236.3 (MANE Select); coding-DNA position 2452, C replaced by G.
Protein change: p.Gln818Glu; replaces glutamine 818 with glutamic acid.
Molecular consequence: missense variant.
Genome position (GRCh38, 1-based): chr16:13,948,048, C>G. VCF-style: chr16-13948048-C-G. GRCh37 (hg19) VCF-style: chr16-14041905-C-G.
Other names: short protein forms Q818E.
Identifiers: ClinVar variation 1487174 (VCV001487174.6), dbSNP rs774635437, ClinGen allele CA7910742.

ClinVar aggregate classification (germline): Uncertain significance (1 of 4 stars; one submission).

Conditions:
Xeroderma pigmentosum, group F (XPF). Also called: XERODERMA PIGMENTOSUM, COMPLEMENTATION GROUP F; XERODERMA PIGMENTOSUM VI; XP, GROUP F; XERODERMA PIGMENTOSUM, TYPE F; Xeroderma pigmentosum, type 6; ERCC4-Related Xeroderma Pigmentosum. Identifiers: MedGen C0268140, MONDO:0010215, OMIM 278760.
Fanconi anemia complementation group Q. Identifiers: Orphanet 84, MedGen C3808988, MONDO:0014108, OMIM 615272.
Cockayne syndrome. Identifiers: Orphanet 191, MedGen C0009207, MONDO:0016006.

Allele frequency attached by ClinVar (database versions not stated): gnomAD 0.00001; ExAC 0.00002; gnomAD exomes 0.00002 and 0.00003.
gnomAD v4.1: 17 of 1,614,016 alleles (0.0011%); highest among the groups gnomAD compares: Non-Finnish European, 0.00025%; no homozygotes.

Submission:

Labcorp Genetics (formerly Invitae), Labcorp
Classification: Uncertain significance for Fanconi anemia complementation group Q; Xeroderma pigmentosum, group F; Cockayne syndrome. Last evaluated: 2021-08-01. Review status: criteria provided, single submitter. Criteria: Invitae Variant Classification Sherloc (09022015). Collection method: clinical testing. Allele origin: germline.
Comment: In summary, the available evidence is currently insufficient to determine the role of this variant in disease. Therefore, it has been classified as a Variant of Uncertain Significance. Algorithms developed to predict the effect of missense changes on protein structure and function (SIFT, PolyPhen-2, Align-GVGD) all suggest that this variant is likely to be tolerated. This variant has not been reported in the literature in individuals affected with ERCC4-related conditions. This variant is present in population databases (rs774635437, ExAC 0.03%). This sequence change replaces glutamine with glutamic acid at codon 818 of the ERCC4 protein (p.Gln818Glu). The glutamine residue is moderately conserved and there is a small physicochemical difference between glutamine and glutamic acid.